The following is an entry in ClinVar:

ClinVar aggregate classification (germline): Likely benign. Review status: criteria provided, multiple submitters, no conflicts (2 of 4 stars). 2 submissions from 2 submitters: Likely benign (2). Last evaluated 2025-12-14.

Allele frequency attached by ClinVar (database versions not stated): TOPMed 0.00003; gnomAD 0.00006 and 0.00009; gnomAD exomes 0.00011 and 0.00025; 1000 Genomes Project 0.00020; 1000 Genomes Project 30x 0.00031; ExAC 0.00052.
gnomAD v4.1: 162 of 1,581,512 alleles (0.01%); highest among the groups gnomAD compares: South Asian, 0.15%; 1 homozygote.

Submissions (2):

Labcorp Genetics (formerly Invitae), Labcorp
Classification: Likely benign. Last evaluated: 2025-12-14. Review status: criteria provided, single submitter. Criteria: Invitae Variant Classification Sherloc (09022015). Collection method: clinical testing. Allele origin: germline.

CeGaT Center for Human Genetics Tuebingen
Classification: Likely benign. Last evaluated: 2025-03-01. Review status: criteria provided, single submitter. Criteria: CeGaT Center For Human Genetics Tuebingen Variant Classification Criteria Version 2. Collection method: clinical testing. Allele origin: germline. Affected: yes. Observed: 1 variant allele.
Comment: MYO18B: BP4, BP7

NM_032608.7(MYO18B):c.5598C>T (p.Ser1866=)

Gene: MYO18B (myosin XVIIIB; plus strand). Cytogenetic location: 22q12.1.
Variant type: single nucleotide variant.
Coding change: c.5598C>T on transcript NM_032608.7 (MANE Select); coding-DNA position 5598, C replaced by T.
Protein change: p.Ser1866=; no amino-acid change (serine 1866 retained).
Molecular consequence: synonymous variant.
Genome position (GRCh38, 1-based): chr22:25,946,217, C>T. VCF-style: chr22-25946217-C-T. GRCh37 (hg19) VCF-style: chr22-26342183-C-T.
Other names: c.5601C>T, p.Ser1867= (NM_001318245.2).
Identifiers: ClinVar variation 1650227 (VCV001650227.15), dbSNP rs569512574, ClinGen allele CA10161209.